The following is an entry in ClinVar:

ClinVar aggregate classification (germline): Conflicting classifications of pathogenicity. Review status: criteria provided, conflicting classifications (1 of 4 stars). 2 submissions from 2 submitters: Uncertain significance (1); Benign (1). Last evaluated 2022-04-01.

Conditions:
Neuroblastoma, susceptibility to, 3. Also called: ALK-Related Neuroblastic Tumor Susceptibility. Identifiers: Orphanet 635, MedGen C2751681, MONDO:0013083, OMIM 613014.

Allele frequency attached by ClinVar (database versions not stated): 1000 Genomes Project 30x 0.00047; gnomAD 0.00053 and 0.00057; gnomAD exomes 0.00064; TOPMed 0.00095.
gnomAD v4.1: 152 of 255,428 alleles (0.06%); highest among the groups gnomAD compares: Admixed American, 0.17%; no homozygotes.

Submissions (2):

CeGaT Center for Human Genetics Tuebingen
Classification: Benign. Last evaluated: 2022-04-01. Review status: criteria provided, single submitter. Criteria: CeGaT Center For Human Genetics Tuebingen Variant Classification Criteria Version 2. Collection method: clinical testing. Allele origin: germline. Affected: yes. Observed: 1 variant allele.
Comment: ALK: BS1, BS2

Illumina Laboratory Services, Illumina
Classification: Uncertain significance for Neuroblastoma, susceptibility to, 3. Last evaluated: 2018-01-13. Review status: criteria provided, single submitter. Criteria: ICSL Variant Classification Criteria 13 December 2019. Collection method: clinical testing. Allele origin: germline.

NM_004304.5(ALK):c.-415T>C

Gene: ALK (ALK receptor tyrosine kinase; minus strand). Cytogenetic location: 2p23.1.
Variant type: single nucleotide variant.
Coding change: c.-415T>C on transcript NM_004304.5 (MANE Select); 415 bases upstream of the start codon, T replaced by C.
Molecular consequence: 5 prime UTR variant.
Genome position (GRCh38, 1-based): chr2:29,921,074, A>G on the plus strand (T>C on the coding strand, the complement: ALK is on the minus strand). VCF-style: chr2-29921074-A-G. GRCh37 (hg19) VCF-style: chr2-30143940-A-G.
Identifiers: ClinVar variation 335728 (VCV000335728.36), dbSNP rs755231246, ClinGen allele CA10613172.
Genomic context (GRCh38, chr2:29,921,074, plus strand): 5'-TTGGGTACCGTCCTCTCCTGCCCCCCGCAGTCGGAGCTGGGGTCTGTCCCCTCTCGGGGC[A>G]GCCTCCAATCTCTGCAACTTTTAAGGCTGAGAACGGCGGCTCCCAGCTGCTGCACGCTGT-3'